The following is an entry in ClinVar:

NM_004104.5(FASN):c.6086C>T (p.Ala2029Val)

Gene: FASN (fatty acid synthase; minus strand). Cytogenetic location: 17q25.3.
Variant type: single nucleotide variant.
Coding change: c.6086C>T on transcript NM_004104.5 (MANE Select); coding-DNA position 6086, C replaced by T.
Protein change: p.Ala2029Val; replaces alanine 2029 with valine.
Molecular consequence: missense variant.
Genome position (GRCh38, 1-based): chr17:82,082,086, G>A on the plus strand (C>T on the coding strand, the complement: FASN is on the minus strand). VCF-style: chr17-82082086-G-A. GRCh37 (hg19) VCF-style: chr17-80039962-G-A.
Other names: short protein forms A2029V.
Identifiers: ClinVar variation 530976 (VCV000530976.14), dbSNP rs139545909, ClinGen allele CA8851434.

ClinVar aggregate classification (germline): Uncertain significance. Review status: criteria provided, multiple submitters, no conflicts (2 of 4 stars). 3 submissions from 3 submitters: Uncertain significance (3). Last evaluated 2025-11-10.

Conditions:
Epileptic encephalopathy. Identifiers: MedGen C0543888, HP:0200134.

Allele frequency attached by ClinVar (database versions not stated): ESP Exome Variant Server 0.00015; TOPMed 0.00015; 1000 Genomes Project 30x 0.00016; gnomAD 0.00019; 1000 Genomes Project 0.00020.
gnomAD v4.1: 285 of 1,609,556 alleles (0.018%); highest among the groups gnomAD compares: Middle Eastern, 0.26%; no homozygotes.

Submissions (4):

Labcorp Genetics (formerly Invitae), Labcorp
Classification: Uncertain significance for Epileptic encephalopathy. Last evaluated: 2025-11-10. Review status: criteria provided, single submitter. Criteria: Invitae Variant Classification Sherloc (09022015). Collection method: clinical testing. Allele origin: germline.
Comment: This sequence change replaces alanine, which is neutral and non-polar, with valine, which is neutral and non-polar, at codon 2029 of the FASN protein (p.Ala2029Val). This variant is present in population databases (rs139545909, gnomAD 0.03%). This variant has not been reported in the literature in individuals affected with FASN-related conditions. ClinVar contains an entry for this variant (Variation ID: 530976). An algorithm developed to predict the effect of missense changes on protein structure and function (PolyPhen-2) suggests that this variant is likely to be tolerated. In summary, the available evidence is currently insufficient to determine the role of this variant in disease. Therefore, it has been classified as a Variant of Uncertain Significance.

Ambry Genetics
Classification: Uncertain significance. Last evaluated: 2024-05-10. Review status: criteria provided, single submitter. Criteria: Ambry Variant Classification Scheme 2023. Collection method: clinical testing. Allele origin: germline.

Breakthrough Genomics
Classification: Uncertain significance. Review status: criteria provided, single submitter. Criteria: ACMG Guidelines, 2015. Collection method: not provided. Allele origin: germline. Inheritance: Unknown mechanism. Affected: yes.

Dr. Peter K. Rogan Lab, Western University
No classification provided (evidence only). Condition: Ovarian serous cystadenocarcinoma. Review status: no classification provided. Collection method: in vitro. Allele origin: not applicable. Functional consequence: retained intron. Not counted in ClinVar's aggregate classification.